The following is an entry in ClinVar:

ClinVar aggregate classification (germline): Uncertain significance (1 of 4 stars; one submission).

Allele frequency attached by ClinVar (database versions not stated): TOPMed below 0.00001; gnomAD exomes 0.00001.
gnomAD v4.1: 9 of 1,590,028 alleles (0.00057%); highest among the groups gnomAD compares: Non-Finnish European, 0.00077%; no homozygotes.

Submission:

Labcorp Genetics (formerly Invitae), Labcorp
Classification: Uncertain significance. Last evaluated: 2023-08-20. Review status: criteria provided, single submitter. Criteria: Invitae Variant Classification Sherloc (09022015). Collection method: clinical testing. Allele origin: germline.
Comment: This sequence change falls in intron 1 of the ABRAXAS1 gene. It does not directly change the encoded amino acid sequence of the ABRAXAS1 protein. It affects a nucleotide within the consensus splice site. This variant is present in population databases (no rsID available, gnomAD 0.006%). This variant has not been reported in the literature in individuals affected with ABRAXAS1-related conditions. Variants that disrupt the consensus splice site are a relatively common cause of aberrant splicing (PMID: 17576681, 9536098). Algorithms developed to predict the effect of sequence changes on RNA splicing suggest that this variant is not likely to affect RNA splicing. In summary, the available evidence is currently insufficient to determine the role of this variant in disease. Therefore, it has been classified as a Variant of Uncertain Significance.

Literature cited by the submitters: PubMed 17576681; PubMed 9536098.

NM_139076.3(ABRAXAS1):c.88-3T>C

Gene: ABRAXAS1 (abraxas 1, BRCA1 A complex subunit; minus strand). Cytogenetic location: 4q21.23.
Variant type: single nucleotide variant.
Coding change: c.88-3T>C on transcript NM_139076.3 (MANE Select); 3 bases into the intron before coding-DNA position 88, T replaced by C.
Molecular consequence: intron variant.
Genome position (GRCh38, 1-based): chr4:83,482,247, A>G on the plus strand (T>C on the coding strand, the complement: ABRAXAS1 is on the minus strand). VCF-style: chr4-83482247-A-G. GRCh37 (hg19) VCF-style: chr4-84403400-A-G.
Other names: c.-173-3T>C (NM_001345962.2).
Identifiers: ClinVar variation 2983544 (VCV002983544.3), dbSNP rs1419334464, ClinGen allele CA552807368.
Genomic context (GRCh38, chr4:83,482,247, plus strand): 5'-GGGAATCAGTAATGCTGTTCTTGGCTTCACCTTTTACTTCCCCAAGAAGAAAACCTTCCT[A>G]TGAAGATAAAGAGGCAATATATAGAATACACTGATAGAATTACTGTTCACTTAACTAACC-3'